The following is an entry in ClinVar:

NM_014009.4(FOXP3):c.2T>A (p.Met1Lys)

Gene: FOXP3 (forkhead box P3; minus strand). Cytogenetic location: Xp11.23.
Variant type: single nucleotide variant.
Coding change: c.2T>A on transcript NM_014009.4 (MANE Select); coding-DNA position 2, T replaced by A.
Protein change: p.Met1Lys; changes the start codon (methionine 1).
Molecular consequence: missense variant, initiator codon variant.
Genome position (GRCh38, 1-based): chrX:49,258,504, A>T on the plus strand (T>A on the coding strand, the complement: FOXP3 is on the minus strand). VCF-style: chrX-49258504-A-T. GRCh37 (hg19) VCF-style: chrX-49114961-A-T.
Other names: c.2T>A, p.Met1Lys (NM_001114377.2); short protein forms M1K.
Identifiers: ClinVar variation 1436074 (VCV001436074.8), dbSNP rs2147949777, ClinGen allele CA412954403.

ClinVar aggregate classification (germline): Pathogenic (1 of 4 stars; one submission).

Conditions:
Insulin-dependent diabetes mellitus secretory diarrhea syndrome (IPEX). Also called: DIABETES MELLITUS, CONGENITAL INSULIN-DEPENDENT, WITH FATAL SECRETORY DIARRHEA; DIARRHEA, POLYENDOCRINOPATHY, FATAL INFECTION SYNDROME, X-LINKED; ENTEROPATHY, AUTOIMMUNE, WITH HEMOLYTIC ANEMIA AND POLYENDOCRINOPATHY; IPEX and IPEX-Like; Immunodeficiency, Polyendocrinopathy, and Enteropathy X-Linked Syndrome; X-Linked Syndrome of Polyendocrinopathy, Immune Dysfunction, and Diarrhea. Identifiers: Orphanet 37042, MedGen C0342288, MONDO:0010580, OMIM 304790. Disease mechanism: loss of function.

Submission:

Labcorp Genetics (formerly Invitae), Labcorp
Classification: Pathogenic for Insulin-dependent diabetes mellitus secretory diarrhea syndrome. Last evaluated: 2022-08-23. Review status: criteria provided, single submitter. Criteria: Invitae Variant Classification Sherloc (09022015). Collection method: clinical testing. Allele origin: germline.
Comment: This sequence change affects the initiator methionine of the FOXP3 mRNA. The next in-frame methionine is located at codon 64. This variant is not present in population databases (gnomAD no frequency). Disruption of the initiator codon has been observed in individual(s) with IPEX syndrome (PMID: 16741580, 18951619). In at least one individual the variant was observed to be de novo. ClinVar contains an entry for this variant (Variation ID: 1436074). For these reasons, this variant has been classified as Pathogenic.

Literature cited by the submitters: PubMed 16741580; PubMed 18951619.